The following is an entry in ClinVar:

ClinVar aggregate classification (germline): Uncertain significance (1 of 4 stars; one submission).

Conditions:
Dilated cardiomyopathy 1JJ (CMD1JJ). Identifiers: Orphanet 154, MedGen C3808935, MONDO:0014095, OMIM 615235.

Allele frequency attached by ClinVar (database versions not stated): TOPMed 0.00001.

Submission:

Labcorp Genetics (formerly Invitae), Labcorp
Classification: Uncertain significance for Dilated cardiomyopathy 1JJ. Last evaluated: 2021-07-19. Review status: criteria provided, single submitter. Criteria: Invitae Variant Classification Sherloc (09022015). Collection method: clinical testing. Allele origin: germline.
Comment: This sequence change replaces lysine with asparagine at codon 906 of the LAMA4 protein (p.Lys906Asn). The lysine residue is moderately conserved and there is a moderate physicochemical difference between lysine and asparagine. This variant is not present in population databases (ExAC no frequency). This variant has not been reported in the literature in individuals with LAMA4-related conditions. Algorithms developed to predict the effect of missense changes on protein structure and function (SIFT, PolyPhen-2, Align-GVGD) all suggest that this variant is likely to be tolerated, but these predictions have not been confirmed by published functional studies and their clinical significance is uncertain. In summary, the available evidence is currently insufficient to determine the role of this variant in disease. Therefore, it has been classified as a Variant of Uncertain Significance.

NM_001105206.3(LAMA4):c.2739A>C (p.Lys913Asn)

Genes: LAMA4 (laminin subunit alpha 4; minus strand), LOC126859766 (MED14-independent group 3 enhancer GRCh37_chr6:112462018-112463217; plus strand). Cytogenetic location: 6q21.
Variant type: single nucleotide variant.
Coding change: c.2739A>C on transcript NM_001105206.3 (MANE Select); coding-DNA position 2739, A replaced by C.
Protein change: p.Lys913Asn; replaces lysine 913 with asparagine.
Molecular consequence: missense variant.
Genome position (GRCh38, 1-based): chr6:112,141,432, T>G on the plus strand (A>C on the coding strand, the complement: LAMA4 is on the minus strand). VCF-style: chr6-112141432-T-G. GRCh37 (hg19) VCF-style: chr6-112462634-T-G.
Other names: c.2718A>C, p.Lys906Asn (NM_001105207.3, NM_002290.5); short protein forms K906N, K913N.
Identifiers: ClinVar variation 1051881 (VCV001051881.9), dbSNP rs1779688312, ClinGen allele CA365380218.